The following is an entry in ClinVar:

ClinVar aggregate classification (germline): Benign/Likely benign. Review status: criteria provided, multiple submitters, no conflicts (2 of 4 stars). 6 submissions from 6 submitters: Benign (4); Likely benign (2). Last evaluated 2026-02-01.

Conditions:
Primary ciliary dyskinesia 33. Also called: CILIARY DYSKINESIA, PRIMARY, 33, WITHOUT SITUS INVERSUS. Identifiers: Orphanet 244, MedGen C4225230, MONDO:0014750, OMIM 616726.

Allele frequency attached by ClinVar (database versions not stated): 1000 Genomes Project 0.00319; 1000 Genomes Project 30x 0.00344; TOPMed 0.00697; gnomAD 0.00768 and 0.00781; gnomAD exomes 0.00768 and 0.01096; ESP Exome Variant Server 0.00831; ExAC 0.00874.
gnomAD v4.1: 17,006 of 1,614,006 alleles (1.1%); highest among the groups gnomAD compares: Non-Finnish European, 1.3%; 126 homozygotes.

Submissions (6):

Labcorp Genetics (formerly Invitae), Labcorp
Classification: Benign for Primary ciliary dyskinesia 33. Last evaluated: 2026-02-01. Review status: criteria provided, single submitter. Criteria: Invitae Variant Classification Sherloc (09022015). Collection method: clinical testing. Allele origin: germline.

ARUP Laboratories, Molecular Genetics and Genomics, ARUP Laboratories
Classification: Benign for Primary ciliary dyskinesia 33. Last evaluated: 2025-06-12. Review status: criteria provided, single submitter. Criteria: ARUP Molecular Germline Variant Investigation Process 2024. Collection method: clinical testing. Allele origin: germline.

CeGaT Center for Human Genetics Tuebingen
Classification: Benign. Last evaluated: 2024-12-01. Review status: criteria provided, single submitter. Criteria: CeGaT Center For Human Genetics Tuebingen Variant Classification Criteria Version 2. Collection method: clinical testing. Allele origin: germline. Affected: yes. Observed: 5 variant alleles.
Comment: DRC4: BP4, BS1, BS2

GeneDx
Classification: Likely benign. Last evaluated: 2020-06-12. Review status: criteria provided, single submitter. Criteria: GeneDx Variant Classification Process June 2021. Collection method: clinical testing. Allele origin: germline. Affected: yes.

Genetics and Molecular Pathology, SA Pathology
Classification: Benign for Primary ciliary dyskinesia 33. Last evaluated: 2019-08-27. Review status: criteria provided, single submitter. Criteria: ACMG Guidelines, 2015. Collection method: clinical testing. Allele origin: germline. Inheritance: Autosomal recessive inheritance. Affected: yes.

Breakthrough Genomics
Classification: Likely benign. Review status: criteria provided, single submitter. Criteria: ACMG Guidelines, 2015. Collection method: not provided. Allele origin: germline. Inheritance: Autosomal recessive inheritance. Affected: yes.

NM_001481.3(DRC4):c.833G>A (p.Arg278His)

Gene: DRC4 (dynein regulatory complex subunit 4; plus strand). Cytogenetic location: 16q24.3.
Variant type: single nucleotide variant.
Coding change: c.833G>A on transcript NM_001481.3 (MANE Select); coding-DNA position 833, G replaced by A.
Protein change: p.Arg278His; replaces arginine 278 with histidine.
Molecular consequence: missense variant.
Genome position (GRCh38, 1-based): chr16:90,037,308, G>A. VCF-style: chr16-90037308-G-A. GRCh37 (hg19) VCF-style: chr16-90103716-G-A.
Other names: c.584G>A, p.Arg195His (NM_001286205.2); c.257G>A, p.Arg86His (NM_001286208.2); c.758G>A, p.Arg253His (NM_001286209.2); short protein forms R253H, R278H, R195H, R86H.
Identifiers: ClinVar variation 475570 (VCV000475570.39), dbSNP rs117053233, ClinGen allele CA8257994.